The following is an entry in ClinVar:

NM_001379500.1(COL18A1):c.1505C>T (p.Pro502Leu)

Gene: COL18A1 (collagen type XVIII alpha 1 chain; plus strand). Cytogenetic location: 21q22.3.
Variant type: single nucleotide variant.
Coding change: c.1505C>T on transcript NM_001379500.1 (MANE Select); coding-DNA position 1505, C replaced by T.
Protein change: p.Pro502Leu; replaces proline 502 with leucine.
Molecular consequence: missense variant.
Genome position (GRCh38, 1-based): chr21:45,480,752, C>T. VCF-style: chr21-45480752-C-T. GRCh37 (hg19) VCF-style: chr21-46900666-C-T.
Other names: c.2045C>T, p.Pro682Leu (NM_030582.4); c.2750C>T, p.Pro917Leu (NM_130444.3); short protein forms P502L, P682L, P917L.
Identifiers: ClinVar variation 4810825 (VCV004810825.1).

ClinVar aggregate classification (germline): Uncertain significance (1 of 4 stars; one submission).

gnomAD v4.1: 1 of 1,610,826 alleles (0.000062%); highest among the groups gnomAD compares: East Asian, 0.0022%; no homozygotes.

Submission:

Labcorp Genetics (formerly Invitae), Labcorp
Classification: Uncertain significance. Last evaluated: 2025-08-17. Review status: criteria provided, single submitter. Criteria: Invitae Variant Classification Sherloc (09022015). Collection method: clinical testing. Allele origin: germline.
Comment: This sequence change replaces proline, which is neutral and non-polar, with leucine, which is neutral and non-polar, at codon 502 of the COL18A1 protein (p.Pro502Leu). This variant is not present in population databases (gnomAD no frequency). This variant has not been reported in the literature in individuals affected with COL18A1-related conditions. Experimental studies and prediction algorithms are not available or were not evaluated, and the functional significance of this variant is currently unknown. In summary, the available evidence is currently insufficient to determine the role of this variant in disease. Therefore, it has been classified as a Variant of Uncertain Significance.